The following is an entry in ClinVar:

ClinVar aggregate classification (germline): Pathogenic (1 of 4 stars; one submission).

Conditions:
Hereditary cancer-predisposing syndrome. Also called: Tumor predisposition; Hereditary neoplastic syndrome; Neoplastic Syndromes, Hereditary; Hereditary Cancer Syndrome. Identifiers: Orphanet 140162, MedGen C0027672, MeSH D009386, MONDO:0015356.

Submission:

Ambry Genetics
Classification: Pathogenic for Hereditary cancer-predisposing syndrome. Last evaluated: 2019-03-01. Review status: criteria provided, single submitter. Criteria: Ambry Variant Classification Scheme 2023. Collection method: clinical testing. Allele origin: germline.
Comment: The c.1288delG pathogenic mutation, located in coding exon 9 of the BRCA2 gene, results from a deletion of one nucleotide at nucleotide position 1288, causing a translational frameshift with a predicted alternate stop codon (p.D430Tfs*30). This alteration is expected to result in loss of function by premature protein truncation or nonsense-mediated mRNA decay. As such, this alteration is interpreted as a disease-causing mutation.

NM_000059.4(BRCA2):c.1288del (p.Asp430fs)

Gene: BRCA2 (BRCA2 DNA repair associated; plus strand). Cytogenetic location: 13q13.1.
Variant type: Deletion.
Coding change: c.1288del on transcript NM_000059.4 (MANE Select); coding-DNA position 1288, one base deleted (G; older notation c.1288delG).
Protein change: p.Asp430fs; shifts the reading frame from aspartic acid 430.
Molecular consequence: frameshift variant.
Genome position (GRCh38, 1-based): chr13:32,332,766, G deleted. VCF-style (leftmost placement, unchanged base first): chr13-32332765-AG-A. GRCh37 (hg19) VCF-style: chr13-32906902-AG-A.
Other names: short protein forms D430fs.
Identifiers: ClinVar variation 818810 (VCV000818810.4), dbSNP rs1593892424, ClinGen allele CA915946956.